The following is an entry in ClinVar:

NM_001267052.2(UNC45B):c.298G>A (p.Val100Met)

Gene: UNC45B (unc-45 myosin chaperone B; plus strand). Cytogenetic location: 17q12.
Variant type: single nucleotide variant.
Coding change: c.298G>A on transcript NM_001267052.2 (MANE Select); coding-DNA position 298, G replaced by A.
Protein change: p.Val100Met; replaces valine 100 with methionine.
Molecular consequence: missense variant.
Genome position (GRCh38, 1-based): chr17:35,150,140, G>A. VCF-style: chr17-35150140-G-A. GRCh37 (hg19) VCF-style: chr17-33477159-G-A.
Other names: c.298G>A, p.Val100Met (NM_001033576.2, NM_001308281.1, NM_173167.3); c.298G>A (NM_173167.2); short protein forms V100M.
Identifiers: ClinVar variation 1506752 (VCV001506752.9), dbSNP rs199738575, ClinGen allele CA8500750.
Genomic context (GRCh38, chr17:35,150,140, plus strand): 5'-CTGTATCGGCGATGCCAGGCACTGGAGCACCTGGGGAAGCTGGACCAGGCCTTCAAAGAC[G>A]TGCAGCGTTGTGCCACCCTCGAGCCACGGAACCAGAACTTCCAGGAGATGCTGAGGAGAC-3'
Protein context (NP_001253981.1, residues 90-110): LGKLDQAFKD[Val100Met]QRCATLEPRN

ClinVar aggregate classification (germline): Uncertain significance. Review status: criteria provided, multiple submitters, no conflicts (2 of 4 stars). 3 submissions from 3 submitters: Uncertain significance (3). Last evaluated 2025-11-17.

Conditions:
Inborn genetic diseases. Identifiers: MedGen C0950123, MeSH D030342.

Allele frequency attached by ClinVar (database versions not stated): ESP Exome Variant Server 0.00023; ExAC 0.00027; gnomAD exomes 0.00034 and 0.00043; gnomAD 0.00057 and 0.00061.
gnomAD v4.1: 711 of 1,613,682 alleles (0.044%); highest among the groups gnomAD compares: Middle Eastern, 0.049%; no homozygotes.

Submissions (3):

Labcorp Genetics (formerly Invitae), Labcorp
Classification: Uncertain significance. Last evaluated: 2025-11-17. Review status: criteria provided, single submitter. Criteria: Invitae Variant Classification Sherloc (09022015). Collection method: clinical testing. Allele origin: germline.
Comment: This sequence change replaces valine, which is neutral and non-polar, with methionine, which is neutral and non-polar, at codon 100 of the UNC45B protein (p.Val100Met). This variant is present in population databases (rs199738575, gnomAD 0.07%). This variant has not been reported in the literature in individuals affected with UNC45B-related conditions. ClinVar contains an entry for this variant (Variation ID: 1506752). Invitae Evidence Modeling of protein sequence and biophysical properties (such as structural, functional, and spatial information, amino acid conservation, physicochemical variation, residue mobility, and thermodynamic stability) indicates that this missense variant is not expected to disrupt UNC45B protein function with a negative predictive value of 80%. In summary, the available evidence is currently insufficient to determine the role of this variant in disease. Therefore, it has been classified as a Variant of Uncertain Significance.

Ambry Genetics
Classification: Uncertain significance for Inborn genetic diseases. Last evaluated: 2021-08-10. Review status: criteria provided, single submitter. Criteria: Ambry Variant Classification Scheme 2023. Collection method: clinical testing. Allele origin: germline.

Breakthrough Genomics
Classification: Uncertain significance. Review status: criteria provided, single submitter. Criteria: ACMG Guidelines, 2015. Collection method: not provided. Allele origin: germline. Inheritance: Autosomal recessive inheritance. Affected: yes.